The following is an entry in ClinVar:

NM_001242896.3(DEPDC5):c.4270T>G (p.Phe1424Val)

Gene: DEPDC5 (DEP domain containing 5, GATOR1 subcomplex subunit; plus strand). Cytogenetic location: 22q12.3.
Variant type: single nucleotide variant.
Coding change: c.4270T>G on transcript NM_001242896.3 (MANE Select); coding-DNA position 4270, T replaced by G.
Protein change: p.Phe1424Val; replaces phenylalanine 1424 with valine.
Molecular consequence: missense variant. On other transcripts: non-coding transcript variant (5).
Genome position (GRCh38, 1-based): chr22:31,897,548, T>G. VCF-style: chr22-31897548-T-G. GRCh37 (hg19) VCF-style: chr22-32293534-T-G.
Other names: c.4243T>G, p.Phe1415Val (NM_001136029.4); c.3970T>G, p.Phe1324Val (NM_001242897.2); c.4204T>G, p.Phe1402Val (NM_001363852.2, NM_001364320.2); c.4036T>G, p.Phe1346Val (NM_001363854.2, NM_001364319.2); c.4270T>G, p.Phe1424Val (NM_001364318.2); c.4186T>G, p.Phe1396Val (NM_001369901.1, NM_001369902.1); c.4177T>G, p.Phe1393Val (NM_001369903.1, NM_014662.6); short protein forms F1396V, F1324V, F1402V, F1346V, F1424V, F1393V, F1415V.
Identifiers: ClinVar variation 2198370 (VCV002198370.4), dbSNP rs1164087969, ClinGen allele CA411288267.

ClinVar aggregate classification (germline): Uncertain significance (1 of 4 stars; one submission).

Conditions:
Familial focal epilepsy with variable foci (FPEVF). Identifiers: Orphanet 98820, MedGen C1858477, MONDO:0020310.

Allele frequency attached by ClinVar (database versions not stated): gnomAD exomes below 0.00001; TOPMed below 0.00001; gnomAD 0.00001.
gnomAD v4.1: 4 of 1,614,014 alleles (0.00025%); highest among the groups gnomAD compares: Non-Finnish European, 0.00034%; no homozygotes.

Submission:

Labcorp Genetics (formerly Invitae), Labcorp
Classification: Uncertain significance for Familial focal epilepsy with variable foci. Last evaluated: 2023-07-14. Review status: criteria provided, single submitter. Criteria: Invitae Variant Classification Sherloc (09022015). Collection method: clinical testing. Allele origin: germline.
Comment: ClinVar contains an entry for this variant (Variation ID: 2198370). In summary, the available evidence is currently insufficient to determine the role of this variant in disease. Therefore, it has been classified as a Variant of Uncertain Significance. Experimental studies and prediction algorithms are not available or were not evaluated, and the functional significance of this variant is currently unknown. This variant has not been reported in the literature in individuals affected with DEPDC5-related conditions. This variant is not present in population databases (gnomAD no frequency). This sequence change replaces phenylalanine, which is neutral and non-polar, with valine, which is neutral and non-polar, at codon 1424 of the DEPDC5 protein (p.Phe1424Val).